The following is an entry in ClinVar:

NM_000059.4(BRCA2):c.8850G>C (p.Lys2950Asn)

Gene: BRCA2 (BRCA2 DNA repair associated; plus strand). Cytogenetic location: 13q13.1.
Variant type: single nucleotide variant.
Coding change: c.8850G>C on transcript NM_000059.4 (MANE Select); coding-DNA position 8850, G replaced by C.
Protein change: p.Lys2950Asn; replaces lysine 2950 with asparagine.
Molecular consequence: missense variant.
Genome position (GRCh38, 1-based): chr13:32,379,412, G>C. VCF-style: chr13-32379412-G-C. GRCh37 (hg19) VCF-style: chr13-32953549-G-C.
Other names: short protein forms K2950N.
Identifiers: ClinVar variation 1169136 (VCV001169136.12), dbSNP rs28897754, ClinGen allele CA387756275.

ClinVar aggregate classification (germline): Benign/Likely benign. Review status: criteria provided, multiple submitters, no conflicts (2 of 4 stars). 3 submissions from 3 submitters: Benign (1); Likely benign (2). Last evaluated 2023-11-14.

Conditions:
Hereditary breast ovarian cancer syndrome. Also called: Hereditary breast and ovarian cancer syndrome; Hereditary breast and/or ovarian cancer syndrome; BRCA1- and BRCA2-Associated Hereditary Breast and Ovarian Cancer; Hereditary breast and ovarian cancer syndrome (HBOC); Breast and ovarian cancer; Hereditary breast and ovarian cancer. Identifiers: Orphanet 145, MedGen C0677776, MeSH D061325, MONDO:0003582. Disease mechanism: loss of function.
Breast-ovarian cancer, familial, susceptibility to, 2 (BROVCA2). Also called: BRCA2 Hereditary Breast and Ovarian Cancer. Identifiers: Orphanet 145, MedGen C2675520, MONDO:0012933, OMIM 612555. Disease mechanism: loss of function.
Hereditary cancer-predisposing syndrome. Also called: Hereditary neoplastic syndrome; Neoplastic Syndromes, Hereditary; Hereditary Cancer Syndrome; Tumor predisposition. Identifiers: Orphanet 140162, MedGen C0027672, MeSH D009386, MONDO:0015356.

Submissions (3):

Labcorp Genetics (formerly Invitae), Labcorp
Classification: Benign for Hereditary breast ovarian cancer syndrome. Last evaluated: 2023-11-14. Review status: criteria provided, single submitter. Criteria: Invitae Variant Classification Sherloc (09022015). Collection method: clinical testing. Allele origin: germline.

All of Us Research Program, National Institutes of Health
Classification: Likely benign for Breast-ovarian cancer, familial, susceptibility to, 2. Last evaluated: 2023-06-26. Review status: criteria provided, single submitter. Criteria: ACMG Guidelines, 2015. Collection method: clinical testing. Allele origin: germline. Inheritance: Autosomal dominant inheritance. Observed: 1 variant allele, 1 heterozygote.
Comment: This study involves interpretation of variants in research participants for the purpose of population health screening. Participant phenotype was not available at the time of variant classification. Additional details can be found in publication PMID: 35346344, PMCID: PMC8962531

Ambry Genetics
Classification: Likely benign for Hereditary cancer-predisposing syndrome. Last evaluated: 2020-06-09. Review status: criteria provided, single submitter. Criteria: Ambry Variant Classification Scheme 2023. Collection method: clinical testing. Allele origin: germline.

Literature cited by the submitters: PubMed 20694749 (cited by Ambry Genetics); PubMed 23451180 (cited by Ambry Genetics); PubMed 23683081 (cited by Ambry Genetics); PubMed 23747895 (cited by Ambry Genetics); PubMed 24123850 (cited by Ambry Genetics); PubMed 24814045 (cited by Ambry Genetics); PubMed 28324225 (cited by Ambry Genetics); PubMed 30400234 (cited by Ambry Genetics); PubMed 31464824 (cited by Ambry Genetics); PubMed 32039725 (cited by Ambry Genetics); PubMed 32377194 (cited by Ambry Genetics).